The following is an entry in ClinVar:

NM_000302.4(PLOD1):c.1619C>T (p.Thr540Ile)

Gene: PLOD1 (procollagen-lysine,2-oxoglutarate 5-dioxygenase 1; plus strand). Cytogenetic location: 1p36.22.
Variant type: single nucleotide variant.
Coding change: c.1619C>T on transcript NM_000302.4 (MANE Select); coding-DNA position 1619, C replaced by T.
Protein change: p.Thr540Ile; replaces threonine 540 with isoleucine.
Molecular consequence: missense variant.
Genome position (GRCh38, 1-based): chr1:11,966,285, C>T. VCF-style: chr1-11966285-C-T. GRCh37 (hg19) VCF-style: chr1-12026342-C-T.
Other names: c.1760C>T, p.Thr587Ile (NM_001316320.2); short protein forms T540I, T587I.
Identifiers: ClinVar variation 1309174 (VCV001309174.2), dbSNP rs1265414816, ClinGen allele CA338446243.

ClinVar aggregate classification (germline): Uncertain significance (1 of 4 stars; one submission).

Allele frequency attached by ClinVar (database versions not stated): gnomAD 0.00001; gnomAD exomes 0.00001; TOPMed 0.00002.
gnomAD v4.1: 9 of 1,608,094 alleles (0.00056%); highest among the groups gnomAD compares: Non-Finnish European, 0.00076%; no homozygotes.

Submission:

GeneDx
Classification: Uncertain significance. Last evaluated: 2019-10-09. Review status: criteria provided, single submitter. Criteria: GeneDx Variant Classification Process June 2021. Collection method: clinical testing. Allele origin: germline. Affected: yes.
Comment: Not observed in large population cohorts (Lek et al., 2016); In silico analysis, which includes protein predictors and evolutionary conservation, supports a deleterious effect; Has not been previously published as pathogenic or benign to our knowledge